The following is an entry in ClinVar:

NM_001211.6(BUB1B):c.209C>A (p.Thr70Asn)

Gene: BUB1B (BUB1 mitotic checkpoint serine/threonine kinase B; plus strand). Cytogenetic location: 15q15.1.
Variant type: single nucleotide variant.
Coding change: c.209C>A on transcript NM_001211.6 (MANE Select); coding-DNA position 209, C replaced by A.
Protein change: p.Thr70Asn; replaces threonine 70 with asparagine.
Molecular consequence: missense variant.
Genome position (GRCh38, 1-based): chr15:40,170,091, C>A. VCF-style: chr15-40170091-C-A. GRCh37 (hg19) VCF-style: chr15-40462292-C-A.
Other names: short protein forms T70N.
Identifiers: ClinVar variation 5033531 (VCV005033531.1).

ClinVar aggregate classification (germline): Uncertain significance (1 of 4 stars; one submission).

Conditions:
Inborn genetic diseases. Identifiers: MedGen C0950123, MeSH D030342.

Submission:

Ambry Genetics
Classification: Uncertain significance for Inborn genetic diseases. Last evaluated: 2026-08-08. Review status: criteria provided, single submitter. Criteria: Ambry Variant Classification Scheme 2023. Collection method: clinical testing. Allele origin: germline.
Comment: The p.T70N variant (also known as c.209C>A), located in coding exon 3 of the BUB1B gene, results from a C to A substitution at nucleotide position 209. The threonine at codon 70 is replaced by asparagine, an amino acid with similar properties. This amino acid position is conserved. In addition, this alteration is predicted to be tolerated by in silico analysis. Based on the available evidence, the clinical significance of this variant remains unclear.